The following is an entry in ClinVar:

ClinVar aggregate classification (germline): Likely benign (1 of 4 stars; one submission).

Conditions:
KIDINS220-related disorder. Also called: KIDINS220-related condition.

Submission:

PreventionGenetics, part of Exact Sciences
Classification: Likely benign for KIDINS220-related condition. Last evaluated: 2025-09-11. Review status: criteria provided, single submitter. Criteria: ACMG Guidelines, 2015. Collection method: clinical testing. Allele origin: germline.
Comment: This variant is classified as likely benign based on ACMG/AMP sequence variant interpretation guidelines (Richards et al. 2015 PMID: 25741868, with internal and published modifications).

NM_020738.4(KIDINS220):c.1098+5A>G

Gene: KIDINS220 (kinase D interacting substrate 220; minus strand). Cytogenetic location: 2p25.1.
Variant type: single nucleotide variant.
Coding change: c.1098+5A>G on transcript NM_020738.4 (MANE Select); 5 bases into the intron after coding-DNA position 1098, A replaced by G.
Molecular consequence: intron variant.
Genome position (GRCh38, 1-based): chr2:8,796,766, T>C on the plus strand (A>G on the coding strand, the complement: KIDINS220 is on the minus strand). VCF-style: chr2-8796766-T-C. GRCh37 (hg19) VCF-style: chr2-8936896-T-C.
Other names: c.1098+5A>G (NM_001348741.2, NM_001348738.2, NM_001348742.2 and 3 more transcripts); c.1101+5A>G (NM_001348739.2, NM_001348740.2, NM_001348734.2 and 3 more transcripts); c.972+5A>G (NM_001348736.2).
Identifiers: ClinVar variation 4983656 (VCV004983656.1).